The following is an entry in ClinVar:

ClinVar aggregate classification (germline): Likely benign. Review status: criteria provided, multiple submitters, no conflicts (2 of 4 stars). 2 submissions from 2 submitters: Likely benign (2). Last evaluated 2026-07-21.

Conditions:
C1S-related disorder. Also called: C1S-related condition.

Allele frequency attached by ClinVar (database versions not stated): gnomAD exomes 0.00001 and 0.00002; ExAC 0.00002; TOPMed 0.00004; gnomAD 0.00006; ESP Exome Variant Server 0.00008.

Submissions (2):

PreventionGenetics, part of Exact Sciences
Classification: Likely benign for C1S-related condition. Last evaluated: 2026-07-21. Review status: criteria provided, single submitter. Criteria: ACMG Guidelines, 2015. Collection method: clinical testing. Allele origin: germline.
Comment: This variant is classified as likely benign based on ACMG/AMP sequence variant interpretation guidelines (Richards et al. 2015 PMID: 25741868, with internal and published modifications).

Labcorp Genetics (formerly Invitae), Labcorp
Classification: Likely benign. Last evaluated: 2025-05-01. Review status: criteria provided, single submitter. Criteria: Invitae Variant Classification Sherloc (09022015). Collection method: clinical testing. Allele origin: germline.

NM_001734.5(C1S):c.687C>T (p.Asp229=)

Gene: C1S (complement C1s; plus strand). Cytogenetic location: 12p13.31.
Variant type: single nucleotide variant.
Coding change: c.687C>T on transcript NM_001734.5 (MANE Select); coding-DNA position 687, C replaced by T.
Protein change: p.Asp229=; no amino-acid change (aspartic acid 229 retained).
Molecular consequence: synonymous variant.
Genome position (GRCh38, 1-based): chr12:7,065,269, C>T. VCF-style: chr12-7065269-C-T. GRCh37 (hg19) VCF-style: chr12-7172573-C-T.
Other names: c.687C>T (NM_201442.3); c.186C>T, p.Asp62= (NM_001346850.2); c.687C>T, p.Asp229= (NM_201442.4).
Identifiers: ClinVar variation 1568020 (VCV001568020.9), dbSNP rs370097263, ClinGen allele CA6423518.